The following is an entry in ClinVar:

NM_018249.6(CDK5RAP2):c.1862A>C (p.Glu621Ala)

Gene: CDK5RAP2 (CDK5 regulatory subunit associated protein 2; minus strand). Cytogenetic location: 9q33.2.
Variant type: single nucleotide variant.
Coding change: c.1862A>C on transcript NM_018249.6 (MANE Select); coding-DNA position 1862, A replaced by C.
Protein change: p.Glu621Ala; replaces glutamic acid 621 with alanine.
Molecular consequence: missense variant. On other transcripts: non-coding transcript variant (5).
Genome position (GRCh38, 1-based): chr9:120,470,217, T>G on the plus strand (A>C on the coding strand, the complement: CDK5RAP2 is on the minus strand). VCF-style: chr9-120470217-T-G. GRCh37 (hg19) VCF-style: chr9-123232495-T-G.
Other names: c.1862A>C, p.Glu621Ala (NM_001011649.3, NM_001410993.1); c.1859A>C, p.Glu620Ala (NM_001272039.2, NM_001410992.1, NM_001410994.1); short protein forms E621A, E620A.
Identifiers: ClinVar variation 1960490 (VCV001960490.5), dbSNP rs1203143623, ClinGen allele CA374707114.

ClinVar aggregate classification (germline): Uncertain significance (1 of 4 stars; one submission).

Allele frequency attached by ClinVar (database versions not stated): gnomAD 0.00001; gnomAD exomes below 0.00001.
gnomAD v4.1: 4 of 1,494,952 alleles (0.00027%); highest among the groups gnomAD compares: Non-Finnish European, 0.00037%; no homozygotes.

Submission:

Labcorp Genetics (formerly Invitae), Labcorp
Classification: Uncertain significance. Last evaluated: 2025-03-17. Review status: criteria provided, single submitter. Criteria: Invitae Variant Classification Sherloc (09022015). Collection method: clinical testing. Allele origin: germline.
Comment: This sequence change replaces glutamic acid, which is acidic and polar, with alanine, which is neutral and non-polar, at codon 621 of the CDK5RAP2 protein (p.Glu621Ala). This variant is present in population databases (no rsID available, gnomAD 0.001%). This variant has not been reported in the literature in individuals affected with CDK5RAP2-related conditions. ClinVar contains an entry for this variant (Variation ID: 1960490). An algorithm developed to predict the effect of missense changes on protein structure and function (PolyPhen-2) suggests that this variant is likely to be disruptive. In summary, the available evidence is currently insufficient to determine the role of this variant in disease. Therefore, it has been classified as a Variant of Uncertain Significance.